The following is an entry in ClinVar:

NM_024301.5(FKRP):c.892G>A (p.Gly298Arg)

Gene: FKRP (fukutin related protein; plus strand). Cytogenetic location: 19q13.32.
Variant type: single nucleotide variant.
Coding change: c.892G>A on transcript NM_024301.5 (MANE Select); coding-DNA position 892, G replaced by A.
Protein change: p.Gly298Arg; replaces glycine 298 with arginine.
Molecular consequence: missense variant.
Genome position (GRCh38, 1-based): chr19:46,756,342, G>A. VCF-style: chr19-46756342-G-A. GRCh37 (hg19) VCF-style: chr19-47259599-G-A.
Other names: c.892G>A, p.Gly298Arg (NM_001039885.3); short protein forms G298R.
Identifiers: ClinVar variation 1312040 (VCV001312040.11), dbSNP rs886043401, ClinGen allele CA309099550.

ClinVar aggregate classification (germline): Uncertain significance. Review status: criteria provided, multiple submitters, no conflicts (2 of 4 stars). 4 submissions from 4 submitters: Uncertain significance (4). Last evaluated 2025-12-16.

Conditions:
Cardiovascular phenotype. Identifiers: MedGen CN230736.
Walker-Warburg congenital muscular dystrophy. Also called: Muscular dystrophy-dystroglycanopathy, type A; Walker-Warburg syndrome. Identifiers: Orphanet 899, MedGen C0265221, MONDO:0000171.

Allele frequency attached by ClinVar (database versions not stated): TOPMed below 0.00001; gnomAD 0.00001; 1000 Genomes Project 30x 0.00031.

Submissions (4):

Ambry Genetics
Classification: Uncertain significance for Cardiovascular phenotype. Last evaluated: 2025-12-16. Review status: criteria provided, single submitter. Criteria: Ambry Variant Classification Scheme 2023. Collection method: clinical testing. Allele origin: germline.
Comment: The p.G298R variant (also known as c.892G>A), located in coding exon 1 of the FKRP gene, results from a G to A substitution at nucleotide position 892. The glycine at codon 298 is replaced by arginine, an amino acid with dissimilar properties. This amino acid position is conserved. In addition, the in silico prediction for this alteration is inconclusive. Since supporting evidence is limited at this time, the clinical significance of this alteration remains unclear.

Labcorp Genetics (formerly Invitae), Labcorp
Classification: Uncertain significance for Walker-Warburg congenital muscular dystrophy. Last evaluated: 2022-08-22. Review status: criteria provided, single submitter. Criteria: Invitae Variant Classification Sherloc (09022015). Collection method: clinical testing. Allele origin: germline.
Comment: This sequence change replaces glycine, which is neutral and non-polar, with arginine, which is basic and polar, at codon 298 of the FKRP protein (p.Gly298Arg). This variant is not present in population databases (gnomAD no frequency). This variant has not been reported in the literature in individuals affected with FKRP-related conditions. ClinVar contains an entry for this variant (Variation ID: 1312040). Algorithms developed to predict the effect of missense changes on protein structure and function are either unavailable or do not agree on the potential impact of this missense change (SIFT: "Deleterious"; PolyPhen-2: "Possibly Damaging"; Align-GVGD: "Class C15"). Algorithms developed to predict the effect of sequence changes on RNA splicing suggest that this variant may create or strengthen a splice site. In summary, the available evidence is currently insufficient to determine the role of this variant in disease. Therefore, it has been classified as a Variant of Uncertain Significance.

GeneDx
Classification: Uncertain significance. Last evaluated: 2020-01-27. Review status: criteria provided, single submitter. Criteria: GeneDx Variant Classification Process June 2021. Collection method: clinical testing. Allele origin: germline. Affected: yes.
Comment: Not observed at a significant frequency in large population cohorts (Lek et al., 2016); In silico analysis, which includes protein predictors and evolutionary conservation, supports a deleterious effect; Has not been previously published as pathogenic or benign to our knowledge

Revvity Omics, Revvity
Classification: Uncertain significance. Last evaluated: 2019-10-18. Review status: criteria provided, single submitter. Criteria: ACMG Guidelines, 2015. Collection method: clinical testing. Allele origin: germline.